The following is an entry in ClinVar:

NM_001367868.2(PLIN4):c.1548C>T (p.Thr516=)

Gene: PLIN4 (perilipin 4; minus strand). Cytogenetic location: 19p13.3.
Variant type: single nucleotide variant.
Coding change: c.1548C>T on transcript NM_001367868.2 (MANE Select); coding-DNA position 1548, C replaced by T.
Protein change: p.Thr516=; no amino-acid change (threonine 516 retained).
Molecular consequence: synonymous variant.
Genome position (GRCh38, 1-based): chr19:4,512,412, G>A on the plus strand (C>T on the coding strand, the complement: PLIN4 is on the minus strand). VCF-style: chr19-4512412-G-A. GRCh37 (hg19) VCF-style: chr19-4512424-G-A.
Other names: c.1551C>T, p.Thr517= (NM_001393888.1, NM_001393889.1); c.1548C>T, p.Thr516= (NM_001393890.1, NM_001393891.1).
Identifiers: ClinVar variation 2649049 (VCV002649049.24), dbSNP rs61730735, ClinGen allele CA9100650.

ClinVar aggregate classification (germline): Likely benign (1 of 4 stars; one submission).

Allele frequency attached by ClinVar (database versions not stated): gnomAD exomes 0.00018; ExAC 0.00053; gnomAD 0.00122; ESP Exome Variant Server 0.00153; 1000 Genomes Project 30x 0.00250; 1000 Genomes Project 0.00779.

Submission:

CeGaT Center for Human Genetics Tuebingen
Classification: Likely benign. Last evaluated: 2026-06-01. Review status: criteria provided, single submitter. Criteria: CeGaT Center For Human Genetics Tuebingen Variant Classification Criteria Version 2. Collection method: clinical testing. Allele origin: germline. Affected: yes. Observed: 8 variant alleles.
Comment: PLIN4: BP4, BP7, BS1